The following is an entry in ClinVar:

NM_000271.5(NPC1):c.3787A>C (p.Thr1263Pro)

Gene: NPC1 (NPC intracellular cholesterol transporter 1; minus strand). Cytogenetic location: 18q11.2.
Variant type: single nucleotide variant.
Coding change: c.3787A>C on transcript NM_000271.5 (MANE Select); coding-DNA position 3787, A replaced by C.
Protein change: p.Thr1263Pro; replaces threonine 1263 with proline.
Molecular consequence: missense variant.
Genome position (GRCh38, 1-based): chr18:23,532,252, T>G on the plus strand (A>C on the coding strand, the complement: NPC1 is on the minus strand). VCF-style: chr18-23532252-T-G. GRCh37 (hg19) VCF-style: chr18-21112216-T-G.
Other names: short protein forms T1263P.
Identifiers: ClinVar variation 2428000 (VCV002428000.6), dbSNP rs2511166527, ClinGen allele CA401790407.

ClinVar aggregate classification (germline): Uncertain significance (1 of 4 stars; one submission).

Conditions:
Niemann-Pick disease, type C1. Also called: NIEMANN-PICK DISEASE, VARIANT TYPE C1; NEUROVISCERAL STORAGE DISEASE WITH VERTICAL SUPRANUCLEAR OPHTHALMOPLEGIA; NIEMANN-PICK DISEASE WITH CHOLESTEROL ESTERIFICATION BLOCK; NIEMANN-PICK DISEASE WITHOUT SPHINGOMYELINASE DEFICIENCY; NIEMANN-PICK DISEASE, CHRONIC NEURONOPATHIC FORM. Identifiers: Orphanet 646, MedGen C3179455, MONDO:0009757, OMIM 257220.

Allele frequency attached by ClinVar (database versions not stated): gnomAD exomes below 0.00001.
gnomAD v4.1: 3 of 1,614,198 alleles (0.00019%); highest among the groups gnomAD compares: Non-Finnish European, 0.00025%; no homozygotes.

Submission:

Labcorp Genetics (formerly Invitae), Labcorp
Classification: Uncertain significance for Niemann-Pick disease, type C1. Last evaluated: 2022-04-29. Review status: criteria provided, single submitter. Criteria: Invitae Variant Classification Sherloc (09022015). Collection method: clinical testing. Allele origin: germline.
Comment: This variant is not present in population databases (gnomAD no frequency). This sequence change replaces threonine, which is neutral and polar, with proline, which is neutral and non-polar, at codon 1263 of the NPC1 protein (p.Thr1263Pro). This variant has not been reported in the literature in individuals affected with NPC1-related conditions. In summary, the available evidence is currently insufficient to determine the role of this variant in disease. Therefore, it has been classified as a Variant of Uncertain Significance. Advanced modeling of protein sequence and biophysical properties (such as structural, functional, and spatial information, amino acid conservation, physicochemical variation, residue mobility, and thermodynamic stability) performed at Invitae indicates that this missense variant is not expected to disrupt NPC1 protein function.